The following is an entry in ClinVar:

NM_001330311.2(DVL1):c.1647C>G (p.Phe549Leu)

Gene: DVL1 (dishevelled segment polarity protein 1; minus strand). Cytogenetic location: 1p36.33.
Variant type: single nucleotide variant.
Coding change: c.1647C>G on transcript NM_001330311.2 (MANE Select); coding-DNA position 1647, C replaced by G.
Protein change: p.Phe549Leu; replaces phenylalanine 549 with leucine.
Molecular consequence: missense variant.
Genome position (GRCh38, 1-based): chr1:1,338,044, G>C on the plus strand (C>G on the coding strand, the complement: DVL1 is on the minus strand). VCF-style: chr1-1338044-G-C. GRCh37 (hg19) VCF-style: chr1-1273424-G-C.
Other names: c.1572C>G, p.Phe524Leu (NM_004421.3); short protein forms F524L, F549L.
Identifiers: ClinVar variation 3682002 (VCV003682002.2).

ClinVar aggregate classification (germline): Uncertain significance (1 of 4 stars; one submission).

Submission:

Labcorp Genetics (formerly Invitae), Labcorp
Classification: Uncertain significance. Last evaluated: 2024-12-10. Review status: criteria provided, single submitter. Criteria: Invitae Variant Classification Sherloc (09022015). Collection method: clinical testing. Allele origin: germline.
Comment: This sequence change replaces phenylalanine, which is neutral and non-polar, with leucine, which is neutral and non-polar, at codon 524 of the DVL1 protein (p.Phe524Leu). This variant is not present in population databases (gnomAD no frequency). This variant has not been reported in the literature in individuals affected with DVL1-related conditions. Invitae Evidence Modeling of protein sequence and biophysical properties (such as structural, functional, and spatial information, amino acid conservation, physicochemical variation, residue mobility, and thermodynamic stability) indicates that this missense variant is not expected to disrupt DVL1 protein function with a negative predictive value of 80%. In summary, the available evidence is currently insufficient to determine the role of this variant in disease. Therefore, it has been classified as a Variant of Uncertain Significance.